The following is an entry in ClinVar:

ClinVar aggregate classification (germline): Likely benign (0 of 4 stars; one submission).

Conditions:
PCSK1-related disorder. Also called: PCSK1-related condition.

Allele frequency attached by ClinVar (database versions not stated): gnomAD exomes 0.00002 and 0.00005; ExAC 0.00003; gnomAD 0.00003; TOPMed 0.00005; ESP Exome Variant Server 0.00015.
gnomAD v4.1: 30 of 1,611,914 alleles (0.0019%); highest among the groups gnomAD compares: Admixed American, 0.005%; no homozygotes.

Submission:

PreventionGenetics, part of Exact Sciences
Classification: Likely benign for PCSK1-related condition. Last evaluated: 2019-07-10. Review status: no assertion criteria provided. Collection method: clinical testing. Allele origin: germline.
Comment: This variant is classified as likely benign based on ACMG/AMP sequence variant interpretation guidelines (Richards et al. 2015 PMID: 25741868, with internal and published modifications).

NM_000439.5(PCSK1):c.1503C>T (p.Ile501=)

Genes: PCSK1 (proprotein convertase subtilisin/kexin type 1; minus strand), CAST (calpastatin; plus strand), LOC101929710 (uncharacterized LOC101929710; plus strand). Cytogenetic location: 5q15.
Variant type: single nucleotide variant.
Coding change: c.1503C>T on transcript NM_000439.5 (MANE Select); coding-DNA position 1503, C replaced by T.
Protein change: p.Ile501=; no amino-acid change (isoleucine 501 retained).
Molecular consequence: synonymous variant.
Genome position (GRCh38, 1-based): chr5:96,398,964, G>A on the plus strand (C>T on the coding strand, the complement: PCSK1 is on the minus strand). VCF-style: chr5-96398964-G-A. GRCh37 (hg19) VCF-style: chr5-95734668-G-A.
Other names: c.1362C>T, p.Ile454= (NM_001177875.2).
Identifiers: ClinVar variation 354644 (VCV000354644.7), dbSNP rs199524465, ClinGen allele CA3350199.
Genomic context (GRCh38, chr5:96,398,964, plus strand): 5'-AAGGTCTCCTCTTCGGGAATATTCAATTGTTGCTTCAAATTGTACATGCTCCAGGGACTT[G>A]ATAGCATTTTCTTGTCCTTCACAAGCTCTTGTTGGAATTTCAATGATAACTTCTCCATTA-3'
Protein context (NP_000430.3, residues 491-511): TRACEGQENA[Ile501=]KSLEHVQFEA